The following is an entry in ClinVar:

NM_000169.3(GLA):c.793C>G (p.Pro265Ala)

Genes: GLA (galactosidase alpha; minus strand), RPL36A-HNRNPH2 (RPL36A-HNRNPH2 readthrough; plus strand). Cytogenetic location: Xq22.1.
Variant type: single nucleotide variant.
Coding change: c.793C>G on transcript NM_000169.3 (MANE Select); coding-DNA position 793, C replaced by G.
Protein change: p.Pro265Ala; replaces proline 265 with alanine.
Molecular consequence: missense variant. On other transcripts: non-coding transcript variant (3), intron variant (2).
Genome position (GRCh38, 1-based): chrX:101,398,793, G>C on the plus strand (C>G on the coding strand, the complement: GLA is on the minus strand). VCF-style: chrX-101398793-G-C. GRCh37 (hg19) VCF-style: chrX-100653781-G-C.
Other names: c.916C>G, p.Pro306Ala (NM_001406747.1); c.793C>G, p.Pro265Ala (NM_001406748.1); c.300+3336G>C (NM_001199973.2); c.177+6971G>C (NM_001199974.2); short protein forms P265A, P306A.
Identifiers: ClinVar variation 4756822 (VCV004756822.2).

ClinVar aggregate classification (germline): Uncertain significance. Review status: criteria provided, multiple submitters, no conflicts (2 of 4 stars). 2 submissions from 2 submitters: Uncertain significance (2). Last evaluated 2026-08-10.

Conditions:
Fabry disease. Also called: Fabry's disease; ALPHA-GALACTOSIDASE A DEFICIENCY; ANDERSON-FABRY DISEASE; CERAMIDE TRIHEXOSIDASE DEFICIENCY; GLA DEFICIENCY; HEREDITARY DYSTOPIC LIPIDOSIS. Identifiers: Orphanet 324, MedGen C0002986, MONDO:0010526, OMIM 301500, HP:0001071. Disease mechanism: Fabry disease is due to inactivating mutations in the X-linked GLA gene resulting in deficiency of the enzyme Alpha Galactosidase-A., loss of function.
Cardiovascular phenotype. Identifiers: MedGen CN230736.

Submissions (2):

Ambry Genetics
Classification: Uncertain significance for Cardiovascular phenotype. Last evaluated: 2026-08-10. Review status: criteria provided, single submitter. Criteria: Ambry Variant Classification Scheme 2023. Collection method: clinical testing. Allele origin: germline.
Comment: The p.P265A variant (also known as c.793C>G), located in coding exon 5 of the GLA gene, results from a C to G substitution at nucleotide position 793. The proline at codon 265 is replaced by alanine, an amino acid with highly similar properties. This amino acid position is conserved. In addition, this alteration is predicted to be deleterious by in silico analysis. Based on the available evidence, the clinical significance of this variant remains unclear.

Color Diagnostics, LLC DBA Color Health
Classification: Uncertain significance for Fabry disease. Last evaluated: 2025-06-29. Review status: criteria provided, single submitter. Criteria: ACMG Guidelines, 2015. Collection method: clinical testing. Allele origin: germline.
Comment: This missense variant replaces proline with alanine at codon 265 of the GLA protein. Computational prediction suggests that this variant may have deleterious impact on protein structure and function. To our knowledge, functional studies have not been reported for this variant. This variant has not been reported in individuals affected with GLA-related disorders in the literature. This variant has not been identified in the general population by the Genome Aggregation Database (gnomAD). The available evidence is insufficient to determine the role of this variant in disease conclusively. Therefore, this variant is classified as a Variant of Uncertain Significance.